The following is an entry in ClinVar:

ClinVar aggregate classification (germline): Uncertain significance (1 of 4 stars; one submission).

Conditions:
Dextro-looped transposition of the great arteries. Also called: Dextrotransposition of the great arteries. Identifiers: Orphanet 860, MedGen C3531771, MONDO:0019443, OMIM 608808, HP:0031348.

Submission:

Labcorp Genetics (formerly Invitae), Labcorp
Classification: Uncertain significance for Dextro-looped transposition of the great arteries. Last evaluated: 2022-04-11. Review status: criteria provided, single submitter. Criteria: Invitae Variant Classification Sherloc (09022015). Collection method: clinical testing. Allele origin: germline.
Comment: In summary, the available evidence is currently insufficient to determine the role of this variant in disease. Therefore, it has been classified as a Variant of Uncertain Significance. Algorithms developed to predict the effect of missense changes on protein structure and function are either unavailable or do not agree on the potential impact of this missense change (SIFT: "Tolerated"; PolyPhen-2: "Not Available"; Align-GVGD: "Class C0"). This variant has not been reported in the literature in individuals affected with MED13L-related conditions. This variant is not present in population databases (gnomAD no frequency). This sequence change replaces cysteine, which is neutral and slightly polar, with tyrosine, which is neutral and polar, at codon 165 of the MED13L protein (p.Cys165Tyr).

NM_015335.5(MED13L):c.494G>A (p.Cys165Tyr)

Gene: MED13L (mediator complex subunit 13L; minus strand). Cytogenetic location: 12q24.21.
Variant type: single nucleotide variant.
Coding change: c.494G>A on transcript NM_015335.5 (MANE Select); coding-DNA position 494, G replaced by A.
Protein change: p.Cys165Tyr; replaces cysteine 165 with tyrosine.
Molecular consequence: missense variant.
Genome position (GRCh38, 1-based): chr12:116,022,587, C>T on the plus strand (G>A on the coding strand, the complement: MED13L is on the minus strand). VCF-style: chr12-116022587-C-T. GRCh37 (hg19) VCF-style: chr12-116460392-C-T.
Other names: short protein forms C165Y.
Identifiers: ClinVar variation 2145137 (VCV002145137.4), dbSNP rs2499953263, ClinGen allele CA386872529.